The following is an entry in ClinVar:

NM_001379110.1(SLC9A6):c.370G>T (p.Val124Phe)

Gene: SLC9A6 (solute carrier family 9 member A6; plus strand). Cytogenetic location: Xq26.3.
Variant type: single nucleotide variant.
Coding change: c.370G>T on transcript NM_001379110.1 (MANE Select); coding-DNA position 370, G replaced by T.
Protein change: p.Val124Phe; replaces valine 124 with phenylalanine.
Molecular consequence: missense variant.
Genome position (GRCh38, 1-based): chrX:135,998,108, G>T. VCF-style: chrX-135998108-G-T. GRCh37 (hg19) VCF-style: chrX-135080267-G-T.
Other names: c.526G>T, p.Val176Phe (NM_001042537.2); c.370G>T, p.Val124Phe (NM_001177651.2); c.274G>T, p.Val92Phe (NM_001330652.2); c.430G>T, p.Val144Phe (NM_006359.3); short protein forms V124F, V144F, V176F, V92F.
Identifiers: ClinVar variation 1513465 (VCV001513465.6), dbSNP rs1556616820, ClinGen allele CA414749690.

ClinVar aggregate classification (germline): Uncertain significance (1 of 4 stars; one submission).

Conditions:
Christianson syndrome (MRXSCH). Also called: SLC9A6-Related Syndromic Mental Retardation; INTELLECTUAL DEVELOPMENTAL DISORDER, X-LINKED, SYNDROMIC, CHRISTIANSON TYPE; X-linked mental retardation, syndromic, Christianson type. Identifiers: Orphanet 85278, MedGen C2678194, MONDO:0010278, OMIM 300243.

Submission:

Labcorp Genetics (formerly Invitae), Labcorp
Classification: Uncertain significance for Christianson syndrome. Last evaluated: 2024-02-16. Review status: criteria provided, single submitter. Criteria: Invitae Variant Classification Sherloc (09022015). Collection method: clinical testing. Allele origin: germline.
Comment: This sequence change replaces valine, which is neutral and non-polar, with phenylalanine, which is neutral and non-polar, at codon 144 of the SLC9A6 protein (p.Val144Phe). This variant is not present in population databases (gnomAD no frequency). This variant has not been reported in the literature in individuals affected with SLC9A6-related conditions. ClinVar contains an entry for this variant (Variation ID: 1513465). An algorithm developed to predict the effect of missense changes on protein structure and function (PolyPhen-2) suggests that this variant is likely to be disruptive. Algorithms developed to predict the effect of sequence changes on RNA splicing suggest that this variant may disrupt the consensus splice site. In summary, the available evidence is currently insufficient to determine the role of this variant in disease. Therefore, it has been classified as a Variant of Uncertain Significance.